The following is an entry in ClinVar:

ClinVar aggregate classification (germline): Conflicting classifications of pathogenicity. Review status: criteria provided, conflicting classifications (1 of 4 stars). 3 submissions from 3 submitters: Uncertain significance (1); Likely benign (2). Last evaluated 2025-11-20.

Conditions:
Familial thoracic aortic aneurysm and aortic dissection (TAAD). Also called: Thoracic aortic aneurysms and dissections. Identifiers: Orphanet 91387, MedGen C4707243, MONDO:0019625.
Marfan syndrome (MFS). Also called: Marfan syndrome, classic; Marfan syndrome type 1; Marfan's syndrome; FBN1-Related Marfan Syndrome; MARFAN SYNDROME, TYPE I. Identifiers: Orphanet 284963, Orphanet 558, MedGen C0024796, MONDO:0007947, OMIM 154700.

Allele frequency attached by ClinVar (database versions not stated): TOPMed 0.00002; ExAC 0.00002.
gnomAD v4.1: 15 of 1,613,500 alleles (0.00093%); highest among the groups gnomAD compares: South Asian, 0.0055%; no homozygotes.

Submissions (3):

Color Diagnostics, LLC DBA Color Health
Classification: Uncertain significance for Familial thoracic aortic aneurysm and aortic dissection. Last evaluated: 2025-11-20. Review status: criteria provided, single submitter. Criteria: ACMG Guidelines, 2015. Collection method: clinical testing. Allele origin: germline.
Comment: This missense variant replaces asparagine with serine at codon 120 of the FBN1 protein. Computational prediction suggests that this variant may not impact protein structure and function. To our knowledge, functional studies have not been reported for this variant. This variant has not been reported in individuals affected with FBN1-related disorders in the literature. This variant has been identified in 15/1613500 chromosomes in the general population by the Genome Aggregation Database (gnomAD). The available evidence is insufficient to determine the role of this variant in disease conclusively. Therefore, this variant is classified as a Variant of Uncertain Significance.

Labcorp Genetics (formerly Invitae), Labcorp
Classification: Likely benign for Marfan syndrome; Familial thoracic aortic aneurysm and aortic dissection. Last evaluated: 2024-10-10. Review status: criteria provided, single submitter. Criteria: Invitae Variant Classification Sherloc (09022015). Collection method: clinical testing. Allele origin: germline.

Ambry Genetics
Classification: Likely benign for Familial thoracic aortic aneurysm and aortic dissection. Last evaluated: 2024-09-04. Review status: criteria provided, single submitter. Criteria: Ambry Variant Classification Scheme 2023. Collection method: clinical testing. Allele origin: germline.

NM_000138.5(FBN1):c.359A>G (p.Asn120Ser)

Gene: FBN1 (fibrillin 1; minus strand). Cytogenetic location: 15q21.1.
Variant type: single nucleotide variant.
Coding change: c.359A>G on transcript NM_000138.5 (MANE Select); coding-DNA position 359, A replaced by G.
Protein change: p.Asn120Ser; replaces asparagine 120 with serine.
Molecular consequence: missense variant.
Genome position (GRCh38, 1-based): chr15:48,600,222, T>C on the plus strand (A>G on the coding strand, the complement: FBN1 is on the minus strand). VCF-style: chr15-48600222-T-C. GRCh37 (hg19) VCF-style: chr15-48892419-T-C.
Other names: short protein forms N120S.
Identifiers: ClinVar variation 922919 (VCV000922919.9), dbSNP rs753900024, ClinGen allele CA051269.